The following is an entry in ClinVar:

ClinVar aggregate classification (germline): Uncertain significance. Review status: criteria provided, multiple submitters, no conflicts (2 of 4 stars). 2 submissions from 2 submitters: Uncertain significance (2). Last evaluated 2025-04-10.

Conditions:
Inborn genetic diseases. Identifiers: MedGen C0950123, MeSH D030342.

Allele frequency attached by ClinVar (database versions not stated): gnomAD exomes 0.00005; ExAC 0.00016.
gnomAD v4.1: 67 of 1,596,276 alleles (0.0042%); highest among the groups gnomAD compares: South Asian, 0.072%; 1 homozygote.

Submissions (2):

Ambry Genetics
Classification: Uncertain significance for Inborn genetic diseases. Last evaluated: 2025-04-10. Review status: criteria provided, single submitter. Criteria: Ambry Variant Classification Scheme 2023. Collection method: clinical testing. Allele origin: germline.

Labcorp Genetics (formerly Invitae), Labcorp
Classification: Uncertain significance. Last evaluated: 2022-07-20. Review status: criteria provided, single submitter. Criteria: Invitae Variant Classification Sherloc (09022015). Collection method: clinical testing. Allele origin: germline.
Comment: This sequence change replaces threonine, which is neutral and polar, with arginine, which is basic and polar, at codon 23 of the RIN2 protein (p.Thr23Arg). This variant is present in population databases (rs749789238, gnomAD 0.04%). This variant has not been reported in the literature in individuals affected with RIN2-related conditions. Algorithms developed to predict the effect of missense changes on protein structure and function are either unavailable or do not agree on the potential impact of this missense change (SIFT: "Deleterious"; PolyPhen-2: "Not Available"; Align-GVGD: "Class C0"). In summary, the available evidence is currently insufficient to determine the role of this variant in disease. Therefore, it has been classified as a Variant of Uncertain Significance.

NM_018993.4(RIN2):c.68C>G (p.Thr23Arg)

Gene: RIN2 (Ras and Rab interactor 2; plus strand). Cytogenetic location: 20p11.23.
Variant type: single nucleotide variant.
Coding change: c.68C>G on transcript NM_018993.4 (MANE Select); coding-DNA position 68, C replaced by G.
Protein change: p.Thr23Arg; replaces threonine 23 with arginine.
Molecular consequence: missense variant. On other transcripts: 5 prime UTR variant (1).
Genome position (GRCh38, 1-based): chr20:19,935,109, C>G. VCF-style: chr20-19935109-C-G. GRCh37 (hg19) VCF-style: chr20-19915753-C-G.
Other names: c.215C>G, p.Thr72Arg (NM_001242581.2); c.-478C>G (NM_001378238.1); c.68C>G (NM_018993.3); short protein forms T23R, T72R.
Identifiers: ClinVar variation 2414546 (VCV002414546.4), dbSNP rs749789238, ClinGen allele CA9779710.
Genomic context (GRCh38, chr20:19,935,109, plus strand): 5'-TGCCACGCCTCTCCACTTCCTGACGTCATACTATTTTTGTCTTTGAATAGCTCATTGACA[C>G]AATTGCCTCGGAGATCGGAGAACTGAAACAGGAGATGGTGCGGACAGATGTCAACCTGGA-3'
Protein context (NP_061866.1, residues 13-33): KRGSFFKLID[Thr23Arg]IASEIGELKQ